The following is an entry in ClinVar:

NM_024685.4(BBS10):c.1138dup (p.Arg380fs)

Gene: BBS10 (Bardet-Biedl syndrome 10; minus strand). Cytogenetic location: 12q21.2.
Variant type: Duplication.
Coding change: c.1138dup on transcript NM_024685.4 (MANE Select); coding-DNA position 1138, one base duplicated (A; older notation c.1138dupA).
Protein change: p.Arg380fs; shifts the reading frame from arginine 380.
Molecular consequence: frameshift variant.
Genome position (GRCh38, 1-based): chr12:76,346,847, T duplicated on the plus strand (A on the coding strand, the reverse complement: BBS10 is on the minus strand); the first of 4 consecutive T bases (chr12:76,346,847-76,346,850); duplicating any one gives the same sequence. VCF-style (leftmost placement, unchanged base first): chr12-76346846-C-CT. GRCh37 (hg19) VCF-style: chr12-76740626-C-CT.
Other names: c.1138dup, p.Arg380fs (LRG_1255t1); short protein forms R380fs.
Identifiers: ClinVar variation 434488 (VCV000434488.7), dbSNP rs1555202645, ClinGen allele CA645372916.

ClinVar aggregate classification (germline): Pathogenic/Likely pathogenic. Review status: criteria provided, multiple submitters, no conflicts (2 of 4 stars). 2 submissions from 2 submitters: Pathogenic (1); Likely pathogenic (1). Last evaluated 2025-06-01.

Conditions:
Bardet-Biedl syndrome 10 (BBS10). Identifiers: Orphanet 110, MedGen C1859568, MONDO:0014438, OMIM 615987.

Submissions (2):

3billion
Classification: Likely pathogenic for Bardet-Biedl syndrome 10. Last evaluated: 2025-06-01. Review status: criteria provided, single submitter. Criteria: ACMG Guidelines, 2015. Collection method: clinical testing. Allele origin: germline. Affected: yes.
Comment: The variant is not observed in the gnomAD v4.1.0 dataset. Predicted Consequence/Location: Frameshift: predicted to result in a loss or disruption of normal protein function through protein truncation. The predicted truncated protein may be shortened by more than 10%. The variant has been reported to be associated with BBS10-related disorder (ClinVar ID: VCV000434488). Therefore, this variant is classified as Likely pathogenic according to the recommendation of ACMG/AMP guideline.

Genetic Services Laboratory, University of Chicago
Classification: Pathogenic for Bardet-Biedl syndrome 10. Last evaluated: 2016-06-13. Review status: criteria provided, single submitter. Criteria: ACMG Guidelines, 2015. Collection method: clinical testing. Allele origin: germline. Affected: yes.